The following is an entry in ClinVar:

NM_001286577.2(C2CD3):c.1973T>C (p.Ile658Thr)

Gene: C2CD3 (C2 domain containing 3 centriole elongation regulator; minus strand). Cytogenetic location: 11q13.4.
Variant type: single nucleotide variant.
Coding change: c.1973T>C on transcript NM_001286577.2 (MANE Select); coding-DNA position 1973, T replaced by C.
Protein change: p.Ile658Thr; replaces isoleucine 658 with threonine.
Molecular consequence: missense variant.
Genome position (GRCh38, 1-based): chr11:74,106,483, A>G on the plus strand (T>C on the coding strand, the complement: C2CD3 is on the minus strand). VCF-style: chr11-74106483-A-G. GRCh37 (hg19) VCF-style: chr11-73817528-A-G.
Other names: c.1973T>C, p.Ile658Thr (NM_015531.6); short protein forms I658T.
Identifiers: ClinVar variation 1497849 (VCV001497849.7), dbSNP rs111351931, ClinGen allele CA6182749.

ClinVar aggregate classification (germline): Uncertain significance (1 of 4 stars; one submission).

Allele frequency attached by ClinVar (database versions not stated): TOPMed 0.00002; gnomAD exomes 0.00006; ExAC 0.00009.
gnomAD v4.1: 42 of 1,613,836 alleles (0.0026%); highest among the groups gnomAD compares: Non-Finnish European, 0.0032%; no homozygotes.

Submission:

Labcorp Genetics (formerly Invitae), Labcorp
Classification: Uncertain significance. Last evaluated: 2022-01-26. Review status: criteria provided, single submitter. Criteria: Invitae Variant Classification Sherloc (09022015). Collection method: clinical testing. Allele origin: germline.
Comment: In summary, the available evidence is currently insufficient to determine the role of this variant in disease. Therefore, it has been classified as a Variant of Uncertain Significance. This sequence change replaces isoleucine, which is neutral and non-polar, with threonine, which is neutral and polar, at codon 658 of the C2CD3 protein (p.Ile658Thr). This variant is present in population databases (rs111351931, gnomAD 0.01%). This variant has not been reported in the literature in individuals affected with C2CD3-related conditions. Algorithms developed to predict the effect of missense changes on protein structure and function are either unavailable or do not agree on the potential impact of this missense change (SIFT: "Deleterious"; PolyPhen-2: "Benign"; Align-GVGD: "Class C0").